The following is an entry in ClinVar:

ClinVar aggregate classification (germline): Uncertain significance. Review status: criteria provided, multiple submitters, no conflicts (2 of 4 stars). 3 submissions from 3 submitters: Uncertain significance (3). Last evaluated 2025-08-05.

Conditions:
Atrioventricular septal defect 4 (AVSD4). Identifiers: MedGen C3280781, MONDO:0013747, OMIM 614430.

Allele frequency attached by ClinVar (database versions not stated): gnomAD exomes 0.00001.
gnomAD v4.1: 3 of 1,584,088 alleles (0.00019%); highest among the groups gnomAD compares: Non-Finnish European, 0.00026%; no homozygotes.

Submissions (3):

GeneDx
Classification: Uncertain significance. Last evaluated: 2025-08-05. Review status: criteria provided, single submitter. Criteria: GeneDx Variant Classification Process June 2021. Collection method: clinical testing. Allele origin: germline. Affected: yes.
Comment: Not observed at significant frequency in large population cohorts (gnomAD); In silico analysis suggests that this missense variant does not alter protein structure/function; Has not been previously published as pathogenic or benign to our knowledge

Labcorp Genetics (formerly Invitae), Labcorp
Classification: Uncertain significance for Atrioventricular septal defect 4. Last evaluated: 2024-02-03. Review status: criteria provided, single submitter. Criteria: Invitae Variant Classification Sherloc (09022015). Collection method: clinical testing. Allele origin: germline.
Comment: This sequence change replaces glutamine, which is neutral and polar, with glutamic acid, which is acidic and polar, at codon 3 of the GATA4 protein (p.Gln3Glu). This variant is not present in population databases (gnomAD no frequency). This variant has not been reported in the literature in individuals affected with GATA4-related conditions. ClinVar contains an entry for this variant (Variation ID: 2658409). An algorithm developed to predict the effect of missense changes on protein structure and function (PolyPhen-2) suggests that this variant is likely to be disruptive. In summary, the available evidence is currently insufficient to determine the role of this variant in disease. Therefore, it has been classified as a Variant of Uncertain Significance.

CeGaT Center for Human Genetics Tuebingen
Classification: Uncertain significance. Last evaluated: 2022-09-01. Review status: criteria provided, single submitter. Criteria: CeGaT Center For Human Genetics Tuebingen Variant Classification Criteria Version 2. Collection method: clinical testing. Allele origin: germline. Affected: yes. Observed: 1 variant allele.
Comment: GATA4: PM2

NM_001308093.3(GATA4):c.7C>G (p.Gln3Glu)

Gene: GATA4 (GATA binding protein 4). Cytogenetic location: 8p23.1.
Variant type: single nucleotide variant.
Coding change: c.7C>G on transcript NM_001308093.3 (MANE Select); coding-DNA position 7, C replaced by G.
Protein change: p.Gln3Glu; replaces glutamine 3 with glutamic acid.
Molecular consequence: missense variant. On other transcripts: intron variant (3).
Genome position (GRCh38, 1-based): chr8:11,708,319, C>G. VCF-style: chr8-11708319-C-G. GRCh37 (hg19) VCF-style: chr8-11565828-C-G.
Other names: c.7C>G, p.Gln3Glu (NM_002052.5); c.-6+7541C>G (NM_001308094.2); c.-3+305C>G (NM_001374274.1); c.-3+4015C>G (NM_001374273.1); c.7C>G (NM_002052.3); short protein forms Q3E.
Identifiers: ClinVar variation 2658409 (VCV002658409.27), dbSNP rs1446210727, ClinGen allele CA370308415.
Genomic context (GRCh38, chr8:11,708,319, plus strand): 5'-TCCTTGACCTGCGAGGGAGAGAGAGGACACCGAAGCCGGGAGCTCGCAGGGACCATGTAT[C>G]AGAGCTTGGCCATGGCCGCCAACCACGGGCCGCCCCCCGGTGCCTACGAGGCGGGCGGCC-3'
Protein context (NP_001295022.1, residues 1-13): MY[Gln3Glu]SLAMAANHGP